The following is an entry in ClinVar:

NM_004491.5(ARHGAP35):c.4054C>T (p.Gln1352Ter)

Gene: ARHGAP35 (Rho GTPase activating protein 35; plus strand). Cytogenetic location: 19q13.32.
Variant type: single nucleotide variant.
Coding change: c.4054C>T on transcript NM_004491.5 (MANE Select); coding-DNA position 4054, C replaced by T.
Protein change: p.Gln1352Ter; replaces glutamine 1352 with a stop codon.
Molecular consequence: nonsense.
Genome position (GRCh38, 1-based): chr19:46,999,321, C>T. VCF-style: chr19-46999321-C-T. GRCh37 (hg19) VCF-style: chr19-47502578-C-T.
Other names: short protein forms Q1352*.
Identifiers: ClinVar variation 4838826 (VCV004838826.1).
Genomic context (GRCh38, chr19:46,999,321, plus strand): 5'-CCTCGGCCATGAAAGGCAAGGCTTTGGTTTTCTCTCTCCTCAGAAATCAACGACCGGGAG[C>T]AGAAGTTGCATGCCCTTAAGGAGGTATTAAAGAAATTTCCAAAGGAAAACCACGAAGTCT-3'

ClinVar aggregate classification (germline): Pathogenic (1 of 4 stars; one submission).

Submission:

Ambry Genetics
Classification: Pathogenic. Last evaluated: 2026-01-08. Review status: criteria provided, single submitter. Criteria: Ambry Variant Classification Scheme 2023. Collection method: clinical testing. Allele origin: germline.
Comment: The c.4054C>T (p.Q1352*) alteration, located in exon 5 (coding exon 5) of the ARHGAP35 gene, consists of a C to T substitution at nucleotide position 4054. This changes the amino acid from a glutamine (Q) to a stop codon at amino acid position 1352. This alteration is expected to result in loss of function by premature protein truncation or nonsense-mediated mRNA decay. This variant was not reported in population-based cohorts in the Genome Aggregation Database (gnomAD). Based on the available evidence, this alteration is classified as pathogenic.